The following is an entry in ClinVar:

ClinVar aggregate classification (germline): Uncertain significance (1 of 4 stars; one submission).

Submission:

CeGaT Center for Human Genetics Tuebingen
Classification: Uncertain significance. Last evaluated: 2025-02-01. Review status: criteria provided, single submitter. Criteria: CeGaT Center For Human Genetics Tuebingen Variant Classification Criteria Version 2. Collection method: clinical testing. Allele origin: germline. Affected: yes. Observed: 1 variant allele.
Comment: ELF4: PM2

NM_001421.4(ELF4):c.1882G>T (p.Glu628Ter)

Gene: ELF4 (E74 like ETS transcription factor 4; minus strand). Cytogenetic location: Xq26.1.
Variant type: single nucleotide variant.
Coding change: c.1882G>T on transcript NM_001421.4 (MANE Select); coding-DNA position 1882, G replaced by T.
Protein change: p.Glu628Ter; replaces glutamic acid 628 with a stop codon.
Molecular consequence: nonsense.
Genome position (GRCh38, 1-based): chrX:130,066,831, C>A on the plus strand (G>T on the coding strand, the complement: ELF4 is on the minus strand). VCF-style: chrX-130066831-C-A. GRCh37 (hg19) VCF-style: chrX-129200806-C-A.
Other names: c.1882G>T, p.Glu628Ter (NM_001127197.2); short protein forms E628*.
Identifiers: ClinVar variation 3770976 (VCV003770976.13).